The following is an entry in ClinVar:

ClinVar aggregate classification (germline): Uncertain significance (1 of 4 stars; one submission).

Conditions:
Hereditary cancer-predisposing syndrome. Also called: Tumor predisposition; Hereditary Cancer Syndrome; Neoplastic Syndromes, Hereditary; Hereditary neoplastic syndrome. Identifiers: Orphanet 140162, MedGen C0027672, MeSH D009386, MONDO:0015356.

Allele frequency attached by ClinVar (database versions not stated): gnomAD exomes below 0.00001; TOPMed below 0.00001; ExAC 0.00001; gnomAD 0.00001.

Submission:

Ambry Genetics
Classification: Uncertain significance for Hereditary cancer-predisposing syndrome. Last evaluated: 2024-09-30. Review status: criteria provided, single submitter. Criteria: Ambry Variant Classification Scheme 2023. Collection method: clinical testing. Allele origin: germline.
Comment: The p.L86F variant (also known as c.256C>T), located in coding exon 2 of the PTCH1 gene, results from a C to T substitution at nucleotide position 256. The leucine at codon 86 is replaced by phenylalanine, an amino acid with highly similar properties. This amino acid position is conserved. In addition, the in silico prediction for this alteration is inconclusive. Since supporting evidence is limited at this time, the clinical significance of this alteration remains unclear.

NM_000264.5(PTCH1):c.256C>T (p.Leu86Phe)

Gene: PTCH1 (patched 1; minus strand). Cytogenetic location: 9q22.32.
Variant type: single nucleotide variant.
Coding change: c.256C>T on transcript NM_000264.5 (MANE Select); coding-DNA position 256, C replaced by T.
Protein change: p.Leu86Phe; replaces leucine 86 with phenylalanine.
Molecular consequence: missense variant. On other transcripts: 5 prime UTR variant (4), non-coding transcript variant (1).
Genome position (GRCh38, 1-based): chr9:95,506,545, G>A on the plus strand (C>T on the coding strand, the complement: PTCH1 is on the minus strand). VCF-style: chr9-95506545-G-A. GRCh37 (hg19) VCF-style: chr9-98268827-G-A.
Other names: c.58C>T, p.Leu20Phe (NM_001083602.3, NM_001354919.2); c.253C>T, p.Leu85Phe (NM_001083603.3); c.-198C>T (NM_001083604.3, NM_001083605.3, NM_001083606.3 and 1 more transcripts); c.256C>T, p.Leu86Phe (NM_001354918.2); short protein forms L85F, L86F, L20F.
Identifiers: ClinVar variation 1793217 (VCV001793217.3), dbSNP rs769604931, ClinGen allele CA5138994.
Genomic context (GRCh38, chr9:95,506,545, plus strand): 5'-GGCCCACAACCAAGAACTTGCCGCAGTTTTTTTGAATGTAACAACCCAGTTTAAATAAGA[G>A]TCTCTGAAACTTCGCTCTCAGCCACAGCGGCGCTTTCCGGCCAGTAGCCTTCCCCTGGGG-3'
Protein context (NP_000255.2, residues 76-96): PLWLRAKFQR[Leu86Phe]LFKLGCYIQK